The following is an entry in ClinVar:

ClinVar aggregate classification (germline): Uncertain significance (1 of 4 stars; one submission).

gnomAD v4.1: 1 of 1,614,232 alleles (0.000062%); highest among the groups gnomAD compares: Admixed American, 0.0017%; no homozygotes.

Submission:

GeneDx
Classification: Uncertain significance. Last evaluated: 2021-01-06. Review status: criteria provided, single submitter. Criteria: GeneDx Variant Classification Process June 2021. Collection method: clinical testing. Allele origin: germline. Affected: yes.
Comment: In silico analysis supports that this missense variant has a deleterious effect on protein structure/function; Has not been previously published as pathogenic or benign to our knowledge

NM_005188.4(CBL):c.1252T>G (p.Phe418Val)

Gene: CBL (Cbl proto-oncogene; plus strand). Cytogenetic location: 11q23.3.
Variant type: single nucleotide variant.
Coding change: c.1252T>G on transcript NM_005188.4 (MANE Select); coding-DNA position 1252, T replaced by G.
Protein change: p.Phe418Val; replaces phenylalanine 418 with valine.
Molecular consequence: missense variant.
Genome position (GRCh38, 1-based): chr11:119,278,534, T>G. VCF-style: chr11-119278534-T-G. GRCh37 (hg19) VCF-style: chr11-119149244-T-G.
Other names: short protein forms F418V.
Identifiers: ClinVar variation 1303696 (VCV001303696.2), dbSNP rs745896960, ClinGen allele CA382913796.